The following is an entry in ClinVar:

NM_000214.3(JAG1):c.1274A>G (p.Lys425Arg)

Gene: JAG1 (jagged canonical Notch ligand 1; minus strand). Cytogenetic location: 20p12.2.
Variant type: single nucleotide variant.
Coding change: c.1274A>G on transcript NM_000214.3 (MANE Select); coding-DNA position 1274, A replaced by G.
Protein change: p.Lys425Arg; replaces lysine 425 with arginine.
Molecular consequence: missense variant.
Genome position (GRCh38, 1-based): chr20:10,649,596, T>C on the plus strand (A>G on the coding strand, the complement: JAG1 is on the minus strand). VCF-style: chr20-10649596-T-C. GRCh37 (hg19) VCF-style: chr20-10630244-T-C.
Other names: short protein forms K425R.
Identifiers: ClinVar variation 1766151 (VCV001766151.7), dbSNP rs780939183, ClinGen allele CA9764922.

ClinVar aggregate classification (germline): Conflicting classifications of pathogenicity. Review status: criteria provided, conflicting classifications (1 of 4 stars). 2 submissions from 2 submitters: Uncertain significance (1); Likely benign (1). Last evaluated 2022-03-27.

Conditions:
Cardiovascular phenotype. Identifiers: MedGen CN230736.
Alagille syndrome due to a JAG1 point mutation. Also called: JAG1-Related Alagille Syndrome; HEPATIC DUCTULAR HYPOPLASIA, SYNDROMATIC; Alagille Syndrome 1. Identifiers: Orphanet 261619, Orphanet 52, MedGen C1956125, MONDO:0016862, OMIM 118450.

Allele frequency attached by ClinVar (database versions not stated): ExAC 0.00001; gnomAD exomes 0.00001.
gnomAD v4.1: 4 of 1,613,978 alleles (0.00025%); highest among the groups gnomAD compares: Admixed American, 0.0067%; no homozygotes.

Submissions (2):

Labcorp Genetics (formerly Invitae), Labcorp
Classification: Likely benign for Alagille syndrome due to a JAG1 point mutation. Last evaluated: 2022-03-27. Review status: criteria provided, single submitter. Criteria: Invitae Variant Classification Sherloc (09022015). Collection method: clinical testing. Allele origin: germline.

Ambry Genetics
Classification: Uncertain significance for Cardiovascular phenotype. Last evaluated: 2021-07-30. Review status: criteria provided, single submitter. Criteria: Ambry Variant Classification Scheme 2023. Collection method: clinical testing. Allele origin: germline.
Comment: The p.K425R variant (also known as c.1274A>G), located in coding exon 10 of the JAG1 gene, results from an A to G substitution at nucleotide position 1274. The lysine at codon 425 is replaced by arginine, an amino acid with highly similar properties. This amino acid position is conserved. In addition, this alteration is predicted to be tolerated by in silico analysis. Since supporting evidence is limited at this time, the clinical significance of this alteration remains unclear.